The following is an entry in ClinVar:

ClinVar aggregate classification (germline): Conflicting classifications of pathogenicity. Review status: criteria provided, conflicting classifications (1 of 4 stars). 2 submissions from 2 submitters: Uncertain significance (1); Likely benign (1). Last evaluated 2023-03-23.

Conditions:
Hereditary cancer-predisposing syndrome. Also called: Neoplastic Syndromes, Hereditary; Tumor predisposition; Hereditary Cancer Syndrome; Hereditary neoplastic syndrome. Identifiers: Orphanet 140162, MedGen C0027672, MeSH D009386, MONDO:0015356.

Submissions (2):

University of Washington Department of Laboratory Medicine, University of Washington
Classification: Likely benign for Hereditary cancer-predisposing syndrome. Last evaluated: 2023-03-23. Review status: criteria provided, single submitter. Criteria: Dines et al. (Genet Med. 2020). Collection method: curation. Allele origin: germline.
Comment: Missense variant in a coldspot region where missense variants are very unlikely to be pathogenic (PMID:31911673).

BRCA2 exon 10 coldspot. Reclassification based on statistical prior probability.

Ambry Genetics
Classification: Uncertain significance for Hereditary cancer-predisposing syndrome. Last evaluated: 2017-10-03. Review status: criteria provided, single submitter. Criteria: Ambry Variant Classification Scheme 2023. Collection method: clinical testing. Allele origin: germline.
Comment: The p.I558N variant (also known as c.1673T>A), located in coding exon 9 of the BRCA2 gene, results from a T to A substitution at nucleotide position 1673. The isoleucine at codon 558 is replaced by asparagine, an amino acid with dissimilar properties. This amino acid position is poorly conserved in available vertebrate species. In addition, this alteration is predicted to be tolerated by in silico analysis. Since supporting evidence is limited at this time, the clinical significance of this alteration remains unclear.

NM_000059.4(BRCA2):c.1673T>A (p.Ile558Asn)

Gene: BRCA2 (BRCA2 DNA repair associated; plus strand). Cytogenetic location: 13q13.1.
Variant type: single nucleotide variant.
Coding change: c.1673T>A on transcript NM_000059.4 (MANE Select); coding-DNA position 1673, T replaced by A.
Protein change: p.Ile558Asn; replaces isoleucine 558 with asparagine.
Molecular consequence: missense variant.
Genome position (GRCh38, 1-based): chr13:32,333,151, T>A. VCF-style: chr13-32333151-T-A. GRCh37 (hg19) VCF-style: chr13-32907288-T-A.
Other names: c.1673T>A, p.Ile558Asn (NM_001406719.1, NM_001406720.1, NM_001406721.1); short protein forms I558N.
Identifiers: ClinVar variation 1777749 (VCV001777749.4), dbSNP rs2137473781, ClinGen allele CA387765097.